The following is an entry in ClinVar:

ClinVar aggregate classification (germline): Uncertain significance (1 of 4 stars; one submission).

Conditions:
Tumor predisposition syndrome 3 (TPDS3). Also called: Melanoma, cutaneous malignant, susceptibility to, 10; Glioma susceptibility 9; LONG TELOMERE SYNDROME, POT1-RELATED; POT1 Tumor Predisposition. Identifiers: Orphanet 618, MedGen C4014476, MONDO:0014368, OMIM 615848.

Submission:

Labcorp Genetics (formerly Invitae), Labcorp
Classification: Uncertain significance for Tumor predisposition syndrome 3. Last evaluated: 2022-06-29. Review status: criteria provided, single submitter. Criteria: Invitae Variant Classification Sherloc (09022015). Collection method: clinical testing. Allele origin: germline.
Comment: This sequence change replaces glycine, which is neutral and non-polar, with valine, which is neutral and non-polar, at codon 186 of the POT1 protein (p.Gly186Val). In summary, the available evidence is currently insufficient to determine the role of this variant in disease. Therefore, it has been classified as a Variant of Uncertain Significance. Algorithms developed to predict the effect of missense changes on protein structure and function (SIFT, PolyPhen-2, Align-GVGD) all suggest that this variant is likely to be disruptive. This variant has not been reported in the literature in individuals affected with POT1-related conditions. This variant is not present in population databases (gnomAD no frequency).

NM_015450.3(POT1):c.557G>T (p.Gly186Val)

Gene: POT1 (protection of telomeres 1; minus strand). Cytogenetic location: 7q31.33.
Variant type: single nucleotide variant.
Coding change: c.557G>T on transcript NM_015450.3 (MANE Select); coding-DNA position 557, G replaced by T.
Protein change: p.Gly186Val; replaces glycine 186 with valine.
Molecular consequence: missense variant. On other transcripts: non-coding transcript variant (3).
Genome position (GRCh38, 1-based): chr7:124,859,102, C>A on the plus strand (G>T on the coding strand, the complement: POT1 is on the minus strand). VCF-style: chr7-124859102-C-A. GRCh37 (hg19) VCF-style: chr7-124499156-C-A.
Other names: c.164G>T, p.Gly55Val (NM_001042594.2); short protein forms G55V, G186V.
Identifiers: ClinVar variation 2003193 (VCV002003193.4), dbSNP rs1205880072, ClinGen allele CA369056808.
Genomic context (GRCh38, chr7:124,859,102, plus strand): 5'-TCACCTTCAAGAACAAGGTCTTGTATTAAGACTCTCCAAGATGGAAATGGTGTCCTGGTG[C>A]CATCCCATACCTGCCATAAGAGAGTAGAGTAGTTTTATGATCCTTTTGAAAAAATGCTTG-3'
Protein context (NP_056265.2, residues 176-196): GASFLLKVWD[Gly186Val]TRTPFPSWRV